The following is an entry in ClinVar:

ClinVar aggregate classification (germline): Uncertain significance (1 of 4 stars; one submission).

Conditions:
Abnormal heart morphology. Also called: Abnormality of cardiac morphology; Heart, malformation of. Identifiers: MedGen C0018798, MeSH D006330, HP:0001627.

Submission:

Institute of Human Genetics, University of Leipzig Medical Center
Classification: Uncertain significance for Abnormal heart morphology. Last evaluated: 2021-01-09. Review status: criteria provided, single submitter. Criteria: ACMG Guidelines, 2015. Collection method: curation. Allele origin: germline. Inheritance: Autosomal dominant inheritance. Affected: yes.
Comment: This variant was reported as 3:78649412 ROBO1 c.4789_4791delAAT N1597del ENST00000464233 in an individual (Nicolaou_ROBO1_Individual1) with KD (PMID: 26489027 (nicolaou2016)). Inheritance was reported as dominant (heterozygous) (NA). The variant was reviewed according to current ACMG recommendations and classified as Uncertain Significance (criteria: PM2_Supporting, PP3_Supporting) at the variant level; the gene-disease association is currently not established in curated databases.

Literature cited by the submitters: PubMed 26489027.

NM_002941.4(ROBO1):c.4786AAT[1] (p.Asn1597del)

Gene: ROBO1 (roundabout guidance receptor 1; minus strand). Cytogenetic location: 3p12.3.
Variant type: Microsatellite.
Coding change: c.4786AAT[1] on transcript NM_002941.4 (MANE Select); one copy of the 3-base unit AAT starting at c.4786; the reference has two copies in a row; one copy, 3 bases deleted.
Protein change: p.Asn1597del; deletes asparagine 1597.
Molecular consequence: inframe deletion.
Genome position (GRCh38, 1-based): chr3:78,600,263-78,600,265, ATT deleted on the plus strand (AAT on the coding strand, the reverse complement: ROBO1 is on the minus strand); deleting any 3 consecutive bases within chr3:78,600,263-78,600,268 gives the same sequence; the position shown is the placement nearest the transcript's 3' end. VCF-style (leftmost placement, unchanged base first): chr3-78600262-GATT-G. GRCh37 (hg19) VCF-style: chr3-78649412-GATT-G.
Other names: 3:78649412ROBO1c.4789_4791delAATN1597delENST00000464233; c.4486AAT[1], p.Asn1497del (NM_001145845.2); c.4651AAT[1], p.Asn1552del (NM_133631.4); short protein forms N1497del, N1552del, N1597del.
Identifiers: ClinVar variation 995985 (VCV000995985.1), dbSNP rs1703092518, ClinGen allele CA1049900691.